The following is an entry in ClinVar:

ClinVar aggregate classification (germline): Uncertain significance (1 of 4 stars; one submission).

Conditions:
Cardiovascular phenotype. Identifiers: MedGen CN230736.

Allele frequency attached by ClinVar (database versions not stated): gnomAD 0.00001; TOPMed 0.00001.

Submission:

Ambry Genetics
Classification: Uncertain significance for Cardiovascular phenotype. Last evaluated: 2024-12-09. Review status: criteria provided, single submitter. Criteria: Ambry Variant Classification Scheme 2023. Collection method: clinical testing. Allele origin: germline.
Comment: The p.A436T variant (also known as c.1306G>A), located in coding exon 7 of the EPHB4 gene, results from a G to A substitution at nucleotide position 1306. The alanine at codon 436 is replaced by threonine, an amino acid with similar properties. This amino acid position is conserved. In addition, this alteration is predicted to be tolerated by in silico analysis. Based on the available evidence, the clinical significance of this variant remains unclear.

NM_004444.5(EPHB4):c.1306G>A (p.Ala436Thr)

Gene: EPHB4 (EPH receptor B4; minus strand). Cytogenetic location: 7q22.1.
Variant type: single nucleotide variant.
Coding change: c.1306G>A on transcript NM_004444.5 (MANE Select); coding-DNA position 1306, G replaced by A.
Protein change: p.Ala436Thr; replaces alanine 436 with threonine.
Molecular consequence: missense variant.
Genome position (GRCh38, 1-based): chr7:100,818,636, C>T on the plus strand (G>A on the coding strand, the complement: EPHB4 is on the minus strand). VCF-style: chr7-100818636-C-T. GRCh37 (hg19) VCF-style: chr7-100416258-C-T.
Other names: short protein forms A436T.
Identifiers: ClinVar variation 2621745 (VCV002621745.3), dbSNP rs1211252046, ClinGen allele CA368573984.